The following is an entry in ClinVar:

NM_001368882.1(COL13A1):c.1486-8G>A

Gene: COL13A1 (collagen type XIII alpha 1 chain; plus strand). Cytogenetic location: 10q22.1.
Variant type: single nucleotide variant.
Coding change: c.1486-8G>A on transcript NM_001368882.1 (MANE Select); 8 bases into the intron before coding-DNA position 1486, G replaced by A.
Molecular consequence: intron variant.
Genome position (GRCh38, 1-based): chr10:69,930,035, G>A. VCF-style: chr10-69930035-G-A. GRCh37 (hg19) VCF-style: chr10-71689791-G-A.
Other names: c.1423-8G>A (NM_001320951.2, NM_001368884.1); c.1453-8G>A (NM_001130103.2, NM_001130103.1); c.1387-8G>A (NM_080801.4, NM_080802.4, NM_001368885.1); c.1396-8G>A (NM_080800.4, NM_001368895.1); c.823-8G>A (NM_001368886.1); c.1450-8G>A (NM_001368883.1); c.1300-8G>A (NM_080805.4); c.1309-8G>A (NM_001368897.1); and 1 more.
Identifiers: ClinVar variation 1519372 (VCV001519372.9), dbSNP rs1487796419, ClinGen allele CA594262583.
Genomic context (GRCh38, chr10:69,930,035, plus strand): 5'-AGCAATGCGTAACTGATGGCTGCTATGTTCTCTGCCCTGAGAGTCACCTTTAGTTGTTCC[G>A]GTTACAGGGGGAGATTGGACTGCCAGGCCCTCCAGGACACGATGGGGAAAAGGTATGAAC-3'

ClinVar aggregate classification (germline): Uncertain significance. Review status: criteria provided, single submitter (1 of 4 stars). 2 submissions from 2 submitters: Uncertain significance (1). 1 of the submissions does not count toward it. Last evaluated 2022-07-06.

Conditions:
COL13A1-related disorder. Also called: COL13A1-related condition.

Allele frequency attached by ClinVar (database versions not stated): gnomAD exomes below 0.00001; TOPMed below 0.00001; gnomAD 0.00001.
gnomAD v4.1: 20 of 1,613,644 alleles (0.0012%); highest among the groups gnomAD compares: Middle Eastern, 0.016%; no homozygotes.

Submissions (2):

Labcorp Genetics (formerly Invitae), Labcorp
Classification: Uncertain significance. Last evaluated: 2022-07-06. Review status: criteria provided, single submitter. Criteria: Invitae Variant Classification Sherloc (09022015). Collection method: clinical testing. Allele origin: germline.
Comment: This variant is present in population databases (no rsID available, gnomAD 0.0009%). This sequence change falls in intron 27 of the COL13A1 gene. It does not directly change the encoded amino acid sequence of the COL13A1 protein. This variant has not been reported in the literature in individuals affected with COL13A1-related conditions. In summary, the available evidence is currently insufficient to determine the role of this variant in disease. Therefore, it has been classified as a Variant of Uncertain Significance. Algorithms developed to predict the effect of sequence changes on RNA splicing suggest that this variant may disrupt the consensus splice site. ClinVar contains an entry for this variant (Variation ID: 1519372).

PreventionGenetics, part of Exact Sciences
Classification: Uncertain significance for COL13A1-related condition. Last evaluated: 2024-09-27. Review status: no assertion criteria provided. Collection method: clinical testing. Allele origin: germline. Not counted in ClinVar's aggregate classification.
Comment: The COL13A1 c.1453-8G>A variant is predicted to interfere with splicing. To our knowledge, this variant has not been reported in the literature. This variant is reported in 1 allele among individuals of African descent in gnomAD. At this time, the clinical significance of this variant is uncertain due to the absence of conclusive functional and genetic evidence.